The following is an entry in ClinVar:

NM_003919.3(SGCE):c.895G>A (p.Gly299Arg)

Genes: CASD1 (CAS1 domain sialic acid O acetyltransferase 1; plus strand), SGCE (sarcoglycan epsilon; minus strand). Cytogenetic location: 7q21.3.
Variant type: single nucleotide variant.
Coding change: c.895G>A on transcript NM_003919.3 (MANE Select); coding-DNA position 895, G replaced by A.
Protein change: p.Gly299Arg; replaces glycine 299 with arginine.
Molecular consequence: missense variant.
Genome position (GRCh38, 1-based): chr7:94,600,788, C>T on the plus strand (G>A on the coding strand, the complement: SGCE is on the minus strand). VCF-style: chr7-94600788-C-T. GRCh37 (hg19) VCF-style: chr7-94230100-C-T.
Other names: c.895G>A (NM_003919.2); c.895G>A, p.Gly299Arg (NM_001099400.2, NM_001099401.2, NM_001346717.2); c.772G>A, p.Gly258Arg (NM_001301139.2, NM_001362809.2); c.1003G>A, p.Gly335Arg (NM_001346713.2, NM_001346715.2); c.808G>A, p.Gly270Arg (NM_001346719.2, NM_001362807.2); c.622G>A, p.Gly208Arg (NM_001346720.2, NM_001362808.2); short protein forms G208R, G258R, G270R, G299R, G335R.
Identifiers: ClinVar variation 1021846 (VCV001021846.11), dbSNP rs765792098, ClinGen allele CA4348691.

ClinVar aggregate classification (germline): Uncertain significance. Review status: criteria provided, multiple submitters, no conflicts (2 of 4 stars). 3 submissions from 3 submitters: Uncertain significance (3). Last evaluated 2025-07-30.

Conditions:
Inborn genetic diseases. Identifiers: MedGen C0950123, MeSH D030342.
Myoclonic dystonia 11 (DYT11). Also called: Dystonia, alcohol responsive; Hereditary essential myoclonus; DYT-SGCE; Myoclonic dystonia; Dystonia 11; SGCE Myoclonus-Dystonia. Identifiers: Orphanet 36899, MedGen C1834570, MONDO:0008044, OMIM 159900.

Allele frequency attached by ClinVar (database versions not stated): TOPMed 0.00006; ExAC 0.00002; gnomAD exomes 0.00001 and 0.00002; gnomAD 0.00004.
gnomAD v4.1: 13 of 1,613,340 alleles (0.00081%); highest among the groups gnomAD compares: African/African-American, 0.011%; no homozygotes.

Submissions (3):

Dasa
Classification: Uncertain significance. Last evaluated: 2025-07-30. Review status: criteria provided, single submitter. Criteria: DASA Assertion Criteria. Collection method: clinical testing. Allele origin: germline.
Comment: NM_003919.3(SGCE):c.895G>A (p.Gly299Arg) is a missense variant that results in the substitution of glycine with arginine. This variant is rare in population databases. Computational prediction algorithms are consistent with a deleterious effect. The currently available literature and clinical evidence are not sufficient to establish a definitive association between this variant and the reported condition. Therefore, this variant is classified as a variant of uncertain significance.

Ambry Genetics
Classification: Uncertain significance for Inborn genetic diseases. Last evaluated: 2024-10-08. Review status: criteria provided, single submitter. Criteria: Ambry Variant Classification Scheme 2023. Collection method: clinical testing. Allele origin: germline.

Labcorp Genetics (formerly Invitae), Labcorp
Classification: Uncertain significance for Myoclonic dystonia 11. Last evaluated: 2024-06-15. Review status: criteria provided, single submitter. Criteria: Invitae Variant Classification Sherloc (09022015). Collection method: clinical testing. Allele origin: germline.
Comment: This sequence change replaces glycine, which is neutral and non-polar, with arginine, which is basic and polar, at codon 299 of the SGCE protein (p.Gly299Arg). This variant is present in population databases (rs765792098, gnomAD 0.02%). This variant has not been reported in the literature in individuals affected with SGCE-related conditions. ClinVar contains an entry for this variant (Variation ID: 1021846). Advanced modeling of protein sequence and biophysical properties (such as structural, functional, and spatial information, amino acid conservation, physicochemical variation, residue mobility, and thermodynamic stability) performed at Invitae indicates that this missense variant is not expected to disrupt SGCE protein function with a negative predictive value of 80%. In summary, the available evidence is currently insufficient to determine the role of this variant in disease. Therefore, it has been classified as a Variant of Uncertain Significance.